The following is an entry in ClinVar:

ClinVar aggregate classification (germline): Uncertain significance (0 of 4 stars; one submission).

Conditions:
SH2B1-related disorder. Also called: SH2B1-related condition.

gnomAD v4.1: 3 of 1,613,970 alleles (0.00019%); highest among the groups gnomAD compares: African/African-American, 0.004%; no homozygotes.

Submission:

PreventionGenetics, part of Exact Sciences
Classification: Uncertain significance for SH2B1-related condition. Last evaluated: 2024-05-30. Review status: no assertion criteria provided. Collection method: clinical testing. Allele origin: germline.
Comment: The SH2B1 c.1130C>T variant is predicted to result in the amino acid substitution p.Pro377Leu. To our knowledge, this variant has not been reported in the literature. This variant is reported in 0.016% of alleles in individuals of African descent in gnomAD. At this time, the clinical significance of this variant is uncertain due to the absence of conclusive functional and genetic evidence.

NM_001387430.1(SH2B1):c.1130C>T (p.Pro377Leu)

Gene: SH2B1 (SH2B adaptor protein 1; plus strand). Cytogenetic location: 16p11.2.
Variant type: single nucleotide variant.
Coding change: c.1130C>T on transcript NM_001387430.1 (MANE Select); coding-DNA position 1130, C replaced by T.
Protein change: p.Pro377Leu; replaces proline 377 with leucine.
Molecular consequence: missense variant.
Genome position (GRCh38, 1-based): chr16:28,869,094, C>T. VCF-style: chr16-28869094-C-T. GRCh37 (hg19) VCF-style: chr16-28880415-C-T.
Other names: c.1130C>T, p.Pro377Leu (NM_001145795.2, NM_001145796.2, NM_001145797.2 and 4 more transcripts); c.122C>T, p.Pro41Leu (NM_001308294.2); short protein forms P377L, P41L.
Identifiers: ClinVar variation 3355946 (VCV003355946.1).